The following is an entry in ClinVar:

ClinVar aggregate classification (germline): Uncertain significance (1 of 4 stars; one submission).

Conditions:
DICER1-related tumor predisposition. Also called: DICER1-related pleuropulmonary blastoma cancer predisposition syndrome; DICER1 syndrome. Identifiers: Orphanet 284343, MedGen C3839822, MONDO:0100216.

Submission:

Labcorp Genetics (formerly Invitae), Labcorp
Classification: Uncertain significance for DICER1-related tumor predisposition. Last evaluated: 2024-09-01. Review status: criteria provided, single submitter. Criteria: Invitae Variant Classification Sherloc (09022015). Collection method: clinical testing. Allele origin: germline.
Comment: This variant, c.1826_1828del, results in the deletion of 1 amino acid(s) of the DICER1 protein (p.Asp609del), but otherwise preserves the integrity of the reading frame. This variant is present in population databases (rs755238558, gnomAD 0.003%). This variant has not been reported in the literature in individuals affected with DICER1-related conditions. Experimental studies and prediction algorithms are not available or were not evaluated, and the functional significance of this variant is currently unknown. In summary, the available evidence is currently insufficient to determine the role of this variant in disease. Therefore, it has been classified as a Variant of Uncertain Significance.

NM_177438.3(DICER1):c.1826_1828del (p.Asp609del)

Gene: DICER1 (dicer 1, ribonuclease III; minus strand). Cytogenetic location: 14q32.13.
Variant type: Deletion.
Coding change: c.1826_1828del on transcript NM_177438.3 (MANE Select); coding-DNA positions 1826 to 1828, 3 bases deleted (ACG; older notation c.1826_1828delACG).
Protein change: p.Asp609del; deletes aspartic acid 609.
Molecular consequence: non-coding transcript variant (on NR_172715.1).
Genome position (GRCh38, 1-based): chr14:95,115,746-95,115,748, CGT deleted on the plus strand (ACG on the coding strand, the reverse complement: DICER1 is on the minus strand); deleting any 3 consecutive bases within chr14:95,115,746-95,115,749 gives the same sequence; the c. name uses the placement nearest the transcript's 3' end. VCF-style (leftmost placement, unchanged base first): chr14-95115745-ACGT-A. GRCh37 (hg19) VCF-style: chr14-95582082-ACGT-A.
Other names: c.1826_1828del, p.Asp609del (NM_001195573.1, NM_001271282.3, NM_001291628.2 and 12 more transcripts); c.1544_1546del, p.Asp515del (NM_001395686.1); c.1421_1423del, p.Asp474del (NM_001395687.1, NM_001395688.1, NM_001395689.1 and 3 more transcripts); c.1259_1261del, p.Asp420del (NM_001395691.1); c.143_145del, p.Asp48del (NM_001395697.1); short protein forms D609del, D48del, D515del, D474del, D420del.
Identifiers: ClinVar variation 3664108 (VCV003664108.2).